The following is an entry in ClinVar:

ClinVar aggregate classification (germline): Uncertain significance. Review status: criteria provided, multiple submitters, no conflicts (2 of 4 stars). 3 submissions from 3 submitters: Uncertain significance (3). Last evaluated 2026-05-12.

Conditions:
Pheochromocytoma/paraganglioma syndrome 4. Also called: PARAGANGLIOMA, FAMILIAL MALIGNANT; PARAGANGLIOMAS, HEREDITARY EXTRAADRENAL; PHEOCHROMOCYTOMA, FAMILIAL EXTRAADRENAL; SDHB-Related Hereditary Paraganglioma-Pheochromocytoma Syndrome (Paragangliomas 4); SDHB-Related Hereditary Paraganglioma-Pheochromocytoma Syndrome; CAROTID BODY TUMORS AND MULTIPLE EXTRAADRENAL PHEOCHROMOCYTOMAS. Identifiers: Orphanet 29072, MedGen C1861848, MONDO:0007273, OMIM 115310.
Pheochromocytoma. Also called: MAX-Related Hereditary Paraganglioma-Pheochromocytoma Syndrome. Identifiers: Orphanet 29072, MedGen C0031511, MONDO:0008233, OMIM 171300, HP:0002666.
Gastrointestinal stromal tumor. Also called: Gastrointestinal stromal tumor, somatic; Gastrointestinal stroma tumor. Identifiers: Orphanet 44890, MedGen C0238198, MeSH D046152, MONDO:0011719, OMIM 606764, HP:0100723.
Hereditary cancer-predisposing syndrome. Also called: Hereditary neoplastic syndrome; Tumor predisposition; Neoplastic Syndromes, Hereditary; Hereditary Cancer Syndrome. Identifiers: Orphanet 140162, MedGen C0027672, MeSH D009386, MONDO:0015356.

Allele frequency attached by ClinVar (database versions not stated): gnomAD exomes below 0.00001.

Submissions (3):

Ambry Genetics
Classification: Uncertain significance for Hereditary cancer-predisposing syndrome. Last evaluated: 2026-05-12. Review status: criteria provided, single submitter. Criteria: Ambry Variant Classification Scheme 2023. Collection method: clinical testing. Allele origin: germline.
Comment: The p.M103T variant (also known as c.308T>C), located in coding exon 4 of the SDHB gene, results from a T to C substitution at nucleotide position 308. The methionine at codon 103 is replaced by threonine, an amino acid with similar properties. This alteration was identified in an individual diagnosed with succinate dehydrogenase deficiency-related leukoencephalopathy (Helman G et al. Ann Neurol, 2016 Mar;79:379-86). This amino acid position is highly conserved in available vertebrate species. In addition, this alteration is predicted to be deleterious by in silico analysis. Based on the available evidence, the clinical significance of this variant remains unclear.

Labcorp Genetics (formerly Invitae), Labcorp
Classification: Uncertain significance for Gastrointestinal stromal tumor; Pheochromocytoma/paraganglioma syndrome 4; Pheochromocytoma. Last evaluated: 2025-10-27. Review status: criteria provided, single submitter. Criteria: Invitae Variant Classification Sherloc (09022015). Collection method: clinical testing. Allele origin: germline.
Comment: This sequence change replaces methionine, which is neutral and non-polar, with threonine, which is neutral and polar, at codon 103 of the SDHB protein (p.Met103Thr). This variant is not present in population databases (gnomAD no frequency). This missense change has been observed in individual(s) with succinate dehydrogenase deficiency-related leukoencephalopathy (PMID: 26642834). ClinVar contains an entry for this variant (Variation ID: 528728). Invitae Evidence Modeling of protein sequence and biophysical properties (such as structural, functional, and spatial information, amino acid conservation, physicochemical variation, residue mobility, and thermodynamic stability) indicates that this missense variant is expected to disrupt SDHB protein function with a positive predictive value of 80%. In summary, the available evidence is currently insufficient to determine the role of this variant in disease. Therefore, it has been classified as a Variant of Uncertain Significance.

Blueprint Genetics
Classification: Uncertain significance. Last evaluated: 2022-11-29. Review status: criteria provided, single submitter. Criteria: ACMG Guidelines, 2015. Collection method: clinical testing. Allele origin: germline.

Literature cited by the submitters: PubMed 26642834 (cited by Ambry Genetics and Labcorp Genetics (formerly Invitae), Labcorp).

NM_003000.3(SDHB):c.308T>C (p.Met103Thr)

Gene: SDHB (succinate dehydrogenase complex iron sulfur subunit B; minus strand). Cytogenetic location: 1p36.13.
Variant type: single nucleotide variant.
Coding change: c.308T>C on transcript NM_003000.3 (MANE Select); coding-DNA position 308, T replaced by C.
Protein change: p.Met103Thr; replaces methionine 103 with threonine.
Molecular consequence: missense variant.
Genome position (GRCh38, 1-based): chr1:17,028,715, A>G on the plus strand (T>C on the coding strand, the complement: SDHB is on the minus strand). VCF-style: chr1-17028715-A-G. GRCh37 (hg19) VCF-style: chr1-17355210-A-G.
Other names: short protein forms M103T.
Identifiers: ClinVar variation 528728 (VCV000528728.9), dbSNP rs1553177765, ClinGen allele CA338275056.